The following is an entry in ClinVar:

ClinVar aggregate classification (germline): Likely benign (1 of 4 stars; one submission).

Submission:

CeGaT Center for Human Genetics Tuebingen
Classification: Likely benign. Last evaluated: 2022-03-01. Review status: criteria provided, single submitter. Criteria: CeGaT Center For Human Genetics Tuebingen Variant Classification Criteria Version 2. Collection method: clinical testing. Allele origin: germline. Affected: yes. Observed: 1 variant allele.
Comment: HARS1: BP4, BP7

NM_002109.6(HARS1):c.1275A>G (p.Leu425=)

Gene: HARS1 (histidyl-tRNA synthetase 1; minus strand). Cytogenetic location: 5q31.3.
Variant type: single nucleotide variant.
Coding change: c.1275A>G on transcript NM_002109.6 (MANE Select); coding-DNA position 1275, A replaced by G.
Protein change: p.Leu425=; no amino-acid change (leucine 425 retained).
Molecular consequence: synonymous variant.
Genome position (GRCh38, 1-based): chr5:140,675,053, T>C on the plus strand (A>G on the coding strand, the complement: HARS1 is on the minus strand). VCF-style: chr5-140675053-T-C. GRCh37 (hg19) VCF-style: chr5-140054638-T-C.
Other names: c.1155A>G, p.Leu385= (NM_001258040.3); c.1215A>G, p.Leu405= (NM_001258041.3); c.1095A>G, p.Leu365= (NM_001258042.3); c.1053A>G, p.Leu351= (NM_001289092.2); c.933A>G, p.Leu311= (NM_001289093.2); c.1188A>G, p.Leu396= (NM_001289094.2).
Identifiers: ClinVar variation 2655741 (VCV002655741.24), dbSNP rs2481235579, ClinGen allele CA446640212.
Genomic context (GRCh38, chr5:140,675,053, plus strand): 5'-CACCCTGGGGCTTGCCTCCCATACCTTGATCCCAGCATCCCACAGTTCTGAGACAAGCTT[T>C]AGTCTTTCCTCTAGCAGCTTCTTCTGTGCAGATGCCACAAGCACCTGTGTCTCCGTGGTC-3'
Protein context (NP_002100.2, residues 415-435): SAQKKLLEER[Leu425=]KLVSELWDAG